The following is an entry in ClinVar:

NM_001330078.2(NRXN1):c.369C>A (p.Phe123Leu)

Gene: NRXN1 (neurexin 1; minus strand). Cytogenetic location: 2p16.3.
Variant type: single nucleotide variant.
Coding change: c.369C>A on transcript NM_001330078.2 (MANE Select); coding-DNA position 369, C replaced by A.
Protein change: p.Phe123Leu; replaces phenylalanine 123 with leucine.
Molecular consequence: missense variant.
Genome position (GRCh38, 1-based): chr2:51,027,905, G>T on the plus strand (C>A on the coding strand, the complement: NRXN1 is on the minus strand). VCF-style: chr2-51027905-G-T. GRCh37 (hg19) VCF-style: chr2-51255043-G-T.
Other names: c.369C>A, p.Phe123Leu (NM_001135659.3, NM_001330077.2, NM_001330079.2 and 15 more transcripts); short protein forms F123L.
Identifiers: ClinVar variation 453103 (VCV000453103.6), dbSNP rs879210752, ClinGen allele CA346824149.
Genomic context (GRCh38, chr2:51,027,905, plus strand): 5'-CTTGGACTTGACCTCCACCCACTTGGCCTCCACCTGGTCGATGAAGAGCGTGGTGTTGCG[G>T]AACTGGCGGCGGATGCGCACGCTGTGCCAGGCGCCGTCGTTAACCGGCGTGTCGGCCAGG-3'
Protein context (NP_001317007.1, residues 113-133): AWHSVRIRRQ[Phe123Leu]RNTTLFIDQV

ClinVar aggregate classification (germline): Uncertain significance. Review status: criteria provided, multiple submitters, no conflicts (2 of 4 stars). 2 submissions from 2 submitters: Uncertain significance (2). Last evaluated 2025-03-31.

Conditions:
Pitt-Hopkins-like syndrome 2 (PTHSL2). Identifiers: Orphanet 221150, Orphanet 600663, MedGen C3280479, MONDO:0013690, OMIM 614325.

Submissions (2):

Labcorp Genetics (formerly Invitae), Labcorp
Classification: Uncertain significance for Pitt-Hopkins-like syndrome 2. Last evaluated: 2025-03-31. Review status: criteria provided, single submitter. Criteria: Invitae Variant Classification Sherloc (09022015). Collection method: clinical testing. Allele origin: germline.
Comment: This sequence change replaces phenylalanine, which is neutral and non-polar, with leucine, which is neutral and non-polar, at codon 123 of the NRXN1 protein (p.Phe123Leu). This variant is not present in population databases (gnomAD no frequency). This variant has not been reported in the literature in individuals affected with NRXN1-related conditions. ClinVar contains an entry for this variant (Variation ID: 453103). An algorithm developed to predict the effect of missense changes on protein structure and function (PolyPhen-2) suggests that this variant is likely to be tolerated. In summary, the available evidence is currently insufficient to determine the role of this variant in disease. Therefore, it has been classified as a Variant of Uncertain Significance.

GeneDx
Classification: Uncertain significance. Last evaluated: 2017-10-31. Review status: criteria provided, single submitter. Criteria: GeneDx Variant Classification (06012015). Collection method: clinical testing. Allele origin: germline. Affected: yes.
Comment: The F123L variant has notbeen published as a pathogenic variant, nor has it been reported as a benign variant to our knowledge. This variant is not observed in large population cohorts (Lek et al., 2016). The F123L variant is a conservative amino acid substitution, which is not likely to impact secondary protein structure as these residues share similar properties. This substitution occurs at a position where amino acids with similar properties to Phenylalanine are tolerated across species. In silico analysis is inconsistent in itspredictions as to whether or not the variant is damaging to the protein structure/function. Therefore, based on the currently available information, it is unclear whether this variant is a pathogenic variant or a rare benign variant.